The following is an entry in ClinVar:

NM_172107.4(KCNQ2):c.1452dup (p.Ser485fs)

Gene: KCNQ2 (potassium voltage-gated channel subfamily Q member 2; minus strand). Cytogenetic location: 20q13.33.
Variant type: Duplication.
Coding change: c.1452dup on transcript NM_172107.4 (MANE Select); coding-DNA position 1452, one base duplicated (G; older notation c.1452dupG).
Protein change: p.Ser485fs; shifts the reading frame from serine 485.
Molecular consequence: frameshift variant.
Genome position (GRCh38, 1-based): chr20:63,414,976, C duplicated on the plus strand (G on the coding strand, the reverse complement: KCNQ2 is on the minus strand); the first of 2 consecutive C bases (chr20:63,414,976-63,414,977); duplicating either gives the same sequence. VCF-style (leftmost placement, unchanged base first): chr20-63414975-T-TC. GRCh37 (hg19) VCF-style: chr20-62046328-T-TC.
Other names: c.1398dup, p.Ser467fs (NM_001382235.1, NM_172106.3); c.1368dup, p.Ser457fs (NM_004518.6); c.1362dup, p.Ser455fs (NM_172108.5); short protein forms S467fs, S485fs, S457fs, S455fs.
Identifiers: ClinVar variation 950937 (VCV000950937.4), dbSNP rs2080239833, ClinGen allele CA1139666779.

ClinVar aggregate classification (germline): Pathogenic (1 of 4 stars; one submission).

Conditions:
Developmental and epileptic encephalopathy. Identifiers: MedGen C5779964, MONDO:0100620.

Submission:

Labcorp Genetics (formerly Invitae), Labcorp
Classification: Pathogenic for Early-infantile DEE. Last evaluated: 2021-02-09. Review status: criteria provided, single submitter. Criteria: Invitae Variant Classification Sherloc (09022015). Collection method: clinical testing. Allele origin: germline.
Comment: This sequence change creates a premature translational stop signal (p.Ser485Glufs*36) in the KCNQ2 gene. It is expected to result in an absent or disrupted protein product. Loss-of-function variants in KCNQ2 are known to be pathogenic (PMID: 14534157, 23692823, 27779742). This variant is not present in population databases (ExAC no frequency). This variant has not been reported in the literature in individuals with KCNQ2-related conditions. For these reasons, this variant has been classified as Pathogenic.

Literature cited by the submitters: PubMed 14534157; PubMed 23692823; PubMed 27779742.